The following is an entry in ClinVar:

NM_182493.3(MYLK3):c.1613G>T (p.Gly538Val)

Gene: MYLK3 (myosin light chain kinase 3; minus strand). Cytogenetic location: 16q11.2.
Variant type: single nucleotide variant.
Coding change: c.1613G>T on transcript NM_182493.3 (MANE Select); coding-DNA position 1613, G replaced by T.
Protein change: p.Gly538Val; replaces glycine 538 with valine.
Molecular consequence: missense variant.
Genome position (GRCh38, 1-based): chr16:46,729,643, C>A on the plus strand (G>T on the coding strand, the complement: MYLK3 is on the minus strand). VCF-style: chr16-46729643-C-A. GRCh37 (hg19) VCF-style: chr16-46763555-C-A.
Other names: c.590G>T, p.Gly197Val (NM_001308301.1); short protein forms G197V, G538V.
Identifiers: ClinVar variation 2862176 (VCV002862176.3), dbSNP rs2548904673, ClinGen allele CA395791207.

ClinVar aggregate classification (germline): Uncertain significance (1 of 4 stars; one submission).

Submission:

Labcorp Genetics (formerly Invitae), Labcorp
Classification: Uncertain significance. Last evaluated: 2023-05-05. Review status: criteria provided, single submitter. Criteria: Invitae Variant Classification Sherloc (09022015). Collection method: clinical testing. Allele origin: germline.
Comment: In summary, the available evidence is currently insufficient to determine the role of this variant in disease. Therefore, it has been classified as a Variant of Uncertain Significance. An algorithm developed to predict the effect of missense changes on protein structure and function (PolyPhen-2) suggests that this variant is likely to be disruptive. This variant has not been reported in the literature in individuals affected with MYLK3-related conditions. This variant is not present in population databases (gnomAD no frequency). This sequence change replaces glycine, which is neutral and non-polar, with valine, which is neutral and non-polar, at codon 538 of the MYLK3 protein (p.Gly538Val).